The following is an entry in ClinVar:

NM_000081.4(LYST):c.8390A>C (p.Glu2797Ala)

Gene: LYST (lysosomal trafficking regulator; minus strand). Cytogenetic location: 1q42.3.
Variant type: single nucleotide variant.
Coding change: c.8390A>C on transcript NM_000081.4 (MANE Select); coding-DNA position 8390, A replaced by C.
Protein change: p.Glu2797Ala; replaces glutamic acid 2797 with alanine.
Molecular consequence: missense variant.
Genome position (GRCh38, 1-based): chr1:235,734,628, T>G on the plus strand (A>C on the coding strand, the complement: LYST is on the minus strand). VCF-style: chr1-235734628-T-G. GRCh37 (hg19) VCF-style: chr1-235897928-T-G.
Other names: c.8390A>C, p.Glu2797Ala (NM_001301365.1); short protein forms E2797A.
Identifiers: ClinVar variation 1412819 (VCV001412819.7), dbSNP rs2527560277, ClinGen allele CA344921213.

ClinVar aggregate classification (germline): Uncertain significance (1 of 4 stars; one submission).

Conditions:
Chédiak-Higashi syndrome (CHS). Also called: Chediak-Higashi Syndrome. Identifiers: Orphanet 167, MedGen C0007965, MONDO:0008963, OMIM 214500.

Submission:

Labcorp Genetics (formerly Invitae), Labcorp
Classification: Uncertain significance for Chédiak-Higashi syndrome. Last evaluated: 2021-04-16. Review status: criteria provided, single submitter. Criteria: Invitae Variant Classification Sherloc (09022015). Collection method: clinical testing. Allele origin: germline.
Comment: This variant has not been reported in the literature in individuals with LYST-related conditions. In summary, the available evidence is currently insufficient to determine the role of this variant in disease. Therefore, it has been classified as a Variant of Uncertain Significance. Algorithms developed to predict the effect of missense changes on protein structure and function are either unavailable or do not agree on the potential impact of this missense change (SIFT: "Deleterious"; PolyPhen-2: "Probably Damaging"; Align-GVGD: "Class C15"). This variant is not present in population databases (ExAC no frequency). This sequence change replaces glutamic acid with alanine at codon 2797 of the LYST protein (p.Glu2797Ala). The glutamic acid residue is moderately conserved and there is a moderate physicochemical difference between glutamic acid and alanine.